The following is an entry in ClinVar:

ClinVar aggregate classification (germline): Uncertain significance. Review status: criteria provided, multiple submitters, no conflicts (2 of 4 stars). 2 submissions from 2 submitters: Uncertain significance (2). Last evaluated 2025-08-30.

Conditions:
Familial adenomatous polyposis 2. Also called: COLORECTAL ADENOMATOUS POLYPOSIS, AUTOSOMAL RECESSIVE; ADENOMAS, MULTIPLE COLORECTAL, AUTOSOMAL RECESSIVE; MYH-associated polyposis; MUTYH-associated polyposis; MUTYH-related attenuated familial adenomatous polyposis; FAP type 2. Identifiers: Orphanet 220460, Orphanet 247798, MedGen C3272841, MONDO:0012041, OMIM 608456.
Hereditary cancer-predisposing syndrome. Also called: Tumor predisposition; Neoplastic Syndromes, Hereditary; Hereditary Cancer Syndrome; Hereditary neoplastic syndrome. Identifiers: Orphanet 140162, MedGen C0027672, MeSH D009386, MONDO:0015356.

Submissions (2):

Labcorp Genetics (formerly Invitae), Labcorp
Classification: Uncertain significance for Familial adenomatous polyposis 2. Last evaluated: 2025-08-30. Review status: criteria provided, single submitter. Criteria: Invitae Variant Classification Sherloc (09022015). Collection method: clinical testing. Allele origin: germline.
Comment: This sequence change replaces histidine, which is basic and polar, with aspartic acid, which is acidic and polar, at codon 536 of the MUTYH protein (p.His536Asp). This variant is not present in population databases (gnomAD no frequency). This variant has not been reported in the literature in individuals affected with MUTYH-related conditions. An algorithm developed to predict the effect of missense changes on protein structure and function (PolyPhen-2) suggests that this variant is likely to be tolerated. In summary, the available evidence is currently insufficient to determine the role of this variant in disease. Therefore, it has been classified as a Variant of Uncertain Significance.

Ambry Genetics
Classification: Uncertain significance for Hereditary cancer-predisposing syndrome. Last evaluated: 2025-08-27. Review status: criteria provided, single submitter. Criteria: Ambry Variant Classification Scheme 2023. Collection method: clinical testing. Allele origin: germline.
Comment: The p.H536D variant (also known as c.1606C>G), located in coding exon 16 of the MUTYH gene, results from a C to G substitution at nucleotide position 1606. The histidine at codon 536 is replaced by aspartic acid, an amino acid with similar properties. This amino acid position is conserved. In addition, this alteration is predicted to be tolerated by in silico analysis. Based on the available evidence, the clinical significance of this variant remains unclear.

NM_001048174.2(MUTYH):c.1522C>G (p.His508Asp)

Gene: MUTYH (mutY DNA glycosylase; minus strand). Cytogenetic location: 1p34.1.
Variant type: single nucleotide variant.
Coding change: c.1522C>G on transcript NM_001048174.2 (MANE Select); coding-DNA position 1522, C replaced by G.
Protein change: p.His508Asp; replaces histidine 508 with aspartic acid.
Molecular consequence: missense variant. On other transcripts: non-coding transcript variant (7).
Genome position (GRCh38, 1-based): chr1:45,329,350, G>C on the plus strand (C>G on the coding strand, the complement: MUTYH is on the minus strand). VCF-style: chr1-45329350-G-C. GRCh37 (hg19) VCF-style: chr1-45795022-G-C.
Other names: c.1522C>G, p.His508Asp (NM_001048171.2, NM_001048173.2, NM_001293195.2 and 6 more transcripts); c.1525C>G, p.His509Asp (NM_001048172.2, NM_001407071.1, NM_001407086.1 and 1 more transcripts); c.1606C>G, p.His536Asp (NM_001128425.2); c.1567C>G, p.His523Asp (NM_001293190.2); c.1555C>G, p.His519Asp (NM_001293191.2, NM_001407069.1, NM_001407077.1); c.1246C>G, p.His416Asp (NM_001293192.2, NM_001293196.2, NM_001407091.1); c.1177C>G, p.His393Asp (NM_001350650.2, NM_001350651.2, NM_001407082.1); c.1543C>G, p.His515Asp (NM_001407087.1); and 5 more; short protein forms H515D, H523D, H536D, H416D, H480D, H519D, H533D, H494D.
Identifiers: ClinVar variation 4113430 (VCV004113430.2).